The following is an entry in ClinVar:

NM_006642.5(SDCCAG8):c.11C>T (p.Ser4Phe)

Gene: SDCCAG8 (SHH signaling and ciliogenesis regulator SDCCAG8; plus strand). Cytogenetic location: 1q43.
Variant type: single nucleotide variant.
Coding change: c.11C>T on transcript NM_006642.5 (MANE Select); coding-DNA position 11, C replaced by T.
Protein change: p.Ser4Phe; replaces serine 4 with phenylalanine.
Molecular consequence: missense variant. On other transcripts: 5 prime UTR variant (4).
Genome position (GRCh38, 1-based): chr1:243,256,184, C>T. VCF-style: chr1-243256184-C-T. GRCh37 (hg19) VCF-style: chr1-243419486-C-T.
Other names: c.-1102C>T (NM_001350246.2); c.-990C>T (NM_001350247.2); c.11C>T, p.Ser4Phe (NM_001350248.2); c.-297C>T (NM_001350249.2); c.-1363C>T (NM_001350251.2); short protein forms S4F.
Identifiers: ClinVar variation 3352833 (VCV003352833.1).

ClinVar aggregate classification (germline): Uncertain significance (0 of 4 stars; one submission).

Conditions:
SDCCAG8-related disorder. Also called: SDCCAG8-Related Disorders; SDCCAG8-related condition.

gnomAD v4.1: 13 of 1,614,010 alleles (0.00081%); highest among the groups gnomAD compares: South Asian, 0.0011%; no homozygotes.

Submission:

PreventionGenetics, part of Exact Sciences
Classification: Uncertain significance for SDCCAG8-related condition. Last evaluated: 2024-07-02. Review status: no assertion criteria provided. Collection method: clinical testing. Allele origin: germline.
Comment: The SDCCAG8 c.11C>T variant is predicted to result in the amino acid substitution p.Ser4Phe. This variant has been reported in a patient with renal agenesis, although conclusive evidence of pathogenicity was not presented (Table S4, Nicolaou et al. 2016. PubMed ID: 26489027). This variant is reported in 0.0033% of alleles in individuals of South Asian descent in gnomAD. At this time, the clinical significance of this variant is uncertain due to the absence of conclusive functional and genetic evidence.